The following is an entry in ClinVar:

ClinVar aggregate classification (germline): Uncertain significance (1 of 4 stars; one submission).

Conditions:
Pulmonary fibrosis and/or bone marrow failure, Telomere-related, 3. Also called: PULMONARY FIBROSIS AND/OR BONE MARROW FAILURE SYNDROME, TELOMERE-RELATED, 3. Identifiers: Orphanet 2032, MedGen C4225346, MONDO:0014613, OMIM 616373.
Dyskeratosis congenita, autosomal recessive 5 (DKCB5). Identifiers: MedGen C3554656, MONDO:0014076, OMIM 615190.

Submission:

Labcorp Genetics (formerly Invitae), Labcorp
Classification: Uncertain significance for Dyskeratosis congenita, autosomal recessive 5; Pulmonary fibrosis and/or bone marrow failure, Telomere-related, 3. Last evaluated: 2021-12-19. Review status: criteria provided, single submitter. Criteria: Invitae Variant Classification Sherloc (09022015). Collection method: clinical testing. Allele origin: germline.
Comment: In summary, the available evidence is currently insufficient to determine the role of this variant in disease. Therefore, it has been classified as a Variant of Uncertain Significance. Algorithms developed to predict the effect of missense changes on protein structure and function (SIFT, PolyPhen-2, Align-GVGD) all suggest that this variant is likely to be tolerated. This variant has not been reported in the literature in individuals affected with RTEL1-related conditions. This variant is not present in population databases (gnomAD no frequency). This sequence change replaces lysine, which is basic and polar, with asparagine, which is neutral and polar, at codon 778 of the RTEL1 protein (p.Lys778Asn).

NM_001283009.2(RTEL1):c.2334G>C (p.Lys778Asn)

Genes: RTEL1 (regulator of telomere elongation helicase 1; plus strand), RTEL1-TNFRSF6B (RTEL1-TNFRSF6B readthrough (NMD candidate); plus strand). Cytogenetic location: 20q13.33.
Variant type: single nucleotide variant.
Coding change: c.2334G>C on transcript NM_001283009.2 (MANE Select); coding-DNA position 2334, G replaced by C.
Protein change: p.Lys778Asn; replaces lysine 778 with asparagine.
Molecular consequence: missense variant. On other transcripts: non-coding transcript variant (1).
Genome position (GRCh38, 1-based): chr20:63,690,362, G>C. VCF-style: chr20-63690362-G-C. GRCh37 (hg19) VCF-style: chr20-62321715-G-C.
Other names: c.1665G>C, p.Lys555Asn (NM_001283010.1); c.2334G>C, p.Lys778Asn (NM_016434.4); c.2406G>C, p.Lys802Asn (NM_032957.5); short protein forms K778N, K555N, K802N.
Identifiers: ClinVar variation 2048007 (VCV002048007.4), dbSNP rs2517140729, ClinGen allele CA409680982.